The following is an entry in ClinVar:

NM_020843.4(SCAPER):c.3222G>A (p.Gln1074=)

Genes: SCAPER (S-phase cyclin A associated protein in the ER; minus strand), LOC126862183 (BRD4-independent group 4 enhancer GRCh37_chr15:76726060-76727259; plus strand). Cytogenetic location: 15q24.3.
Variant type: single nucleotide variant.
Coding change: c.3222G>A on transcript NM_020843.4 (MANE Select); coding-DNA position 3222, G replaced by A.
Protein change: p.Gln1074=; no amino-acid change (glutamine 1074 retained).
Molecular consequence: synonymous variant. On other transcripts: non-coding transcript variant (1).
Genome position (GRCh38, 1-based): chr15:76,434,167, C>T on the plus strand (G>A on the coding strand, the complement: SCAPER is on the minus strand). VCF-style: chr15-76434167-C-T. GRCh37 (hg19) VCF-style: chr15-76726508-C-T.
Other names: c.2484G>A, p.Gln828= (NM_001145923.2); c.3240G>A, p.Gln1080= (NM_001353009.2); c.2820G>A, p.Gln940= (NM_001353010.2, NM_001353012.2); c.2838G>A, p.Gln946= (NM_001353011.2).
Identifiers: ClinVar variation 4994285 (VCV004994285.1).

ClinVar aggregate classification (germline): Likely benign (1 of 4 stars; one submission).

Conditions:
SCAPER-related disorder. Also called: SCAPER-related condition.

Submission:

PreventionGenetics, part of Exact Sciences
Classification: Likely benign for SCAPER-related condition. Last evaluated: 2026-02-03. Review status: criteria provided, single submitter. Criteria: ACMG Guidelines, 2015. Collection method: clinical testing. Allele origin: germline.
Comment: This variant is classified as likely benign based on ACMG/AMP sequence variant interpretation guidelines (Richards et al. 2015 PMID: 25741868, with internal and published modifications).